The following is an entry in ClinVar:

NM_031935.3(HMCN1):c.5241G>T (p.Met1747Ile)

Gene: HMCN1 (hemicentin 1; plus strand). Cytogenetic location: 1q31.1.
Variant type: single nucleotide variant.
Coding change: c.5241G>T on transcript NM_031935.3 (MANE Select); coding-DNA position 5241, G replaced by T.
Protein change: p.Met1747Ile; replaces methionine 1747 with isoleucine.
Molecular consequence: missense variant.
Genome position (GRCh38, 1-based): chr1:186,017,012, G>T. VCF-style: chr1-186017012-G-T. GRCh37 (hg19) VCF-style: chr1-185986144-G-T.
Other names: c.5241G>T (NM_031935.2); short protein forms M1747I.
Identifiers: ClinVar variation 1450506 (VCV001450506.10), dbSNP rs766434071, ClinGen allele CA1292208.

ClinVar aggregate classification (germline): Uncertain significance. Review status: criteria provided, multiple submitters, no conflicts (2 of 4 stars). 3 submissions from 3 submitters: Uncertain significance (3). Last evaluated 2024-09-28.

Conditions:
Age related macular degeneration 1 (ARMD1). Also called: MACULOPATHY, AGE-RELATED, 1. Identifiers: MedGen C1864205, MONDO:0011285, OMIM 603075.

Allele frequency attached by ClinVar (database versions not stated): gnomAD 0.00001; ExAC 0.00002; TOPMed 0.00002; gnomAD exomes 0.00003 and 0.00006.

Submissions (3):

Labcorp Genetics (formerly Invitae), Labcorp
Classification: Uncertain significance. Last evaluated: 2024-09-28. Review status: criteria provided, single submitter. Criteria: Invitae Variant Classification Sherloc (09022015). Collection method: clinical testing. Allele origin: germline.
Comment: This sequence change replaces methionine, which is neutral and non-polar, with isoleucine, which is neutral and non-polar, at codon 1747 of the HMCN1 protein (p.Met1747Ile). This variant is present in population databases (rs766434071, gnomAD 0.006%). This missense change has been observed in individuals with clinical features of autosomal dominant inherited retinal dystrophy (internal data). ClinVar contains an entry for this variant (Variation ID: 1450506). An algorithm developed to predict the effect of missense changes on protein structure and function outputs the following: PolyPhen-2: "Probably Damaging". The isoleucine amino acid residue is found in multiple mammalian species, which suggests that this missense change does not adversely affect protein function. In summary, the available evidence is currently insufficient to determine the role of this variant in disease. Therefore, it has been classified as a Variant of Uncertain Significance.

Genome-Nilou Lab
Classification: Uncertain significance for Age related macular degeneration 1. Last evaluated: 2023-04-11. Review status: criteria provided, single submitter. Criteria: ACMG Guidelines, 2015. Collection method: clinical testing. Allele origin: germline. Affected: no.

Ambry Genetics
Classification: Uncertain significance. Last evaluated: 2021-09-01. Review status: criteria provided, single submitter. Criteria: Ambry Variant Classification Scheme 2023. Collection method: clinical testing. Allele origin: germline.